The following is an entry in ClinVar:

NM_005476.7(GNE):c.1564G>T (p.Ala522Ser)

Gene: GNE (glucosamine (UDP-N-acetyl)-2-epimerase/N-acetylmannosamine kinase; minus strand). Cytogenetic location: 9p13.3.
Variant type: single nucleotide variant.
Coding change: c.1564G>T on transcript NM_005476.7 (MANE Select); coding-DNA position 1564, G replaced by T.
Protein change: p.Ala522Ser; replaces alanine 522 with serine.
Molecular consequence: missense variant. On other transcripts: intron variant (1).
Genome position (GRCh38, 1-based): chr9:36,222,846, C>A on the plus strand (G>T on the coding strand, the complement: GNE is on the minus strand). VCF-style: chr9-36222846-C-A. GRCh37 (hg19) VCF-style: chr9-36222843-C-A.
Other names: c.1657G>T, p.Ala553Ser (NM_001128227.3); c.1234G>T, p.Ala412Ser (NM_001190384.3); c.1387G>T, p.Ala463Ser (NM_001190388.2, NM_001374798.1); c.1411G>T, p.Ala471Ser (NM_001374797.1); c.1411+527G>T (NM_001190383.3); short protein forms A412S, A471S, A522S, A463S, A553S.
Identifiers: ClinVar variation 1377441 (VCV001377441.8), dbSNP rs2133021306, ClinGen allele CA373426301.

ClinVar aggregate classification (germline): Uncertain significance (1 of 4 stars; one submission).

Conditions:
Sialuria. Also called: SIALURIA, FRENCH TYPE; Sialic Acid Storage Disease. Identifiers: Orphanet 3166, MedGen C0342853, MONDO:0010028, OMIM 269921.
GNE myopathy (NM). Also called: INCLUSION BODY MYOPATHY 2, AUTOSOMAL RECESSIVE; MYOPATHY, DISTAL, WITH OR WITHOUT RIMMED VACUOLES; IBM 2; Inclusion body myopathy autosomal recessive; Inclusion body myopathy quadriceps sparing; NONAKA DISTAL MYOPATHY. Identifiers: Orphanet 602, MedGen C1853926, MONDO:0011603, OMIM 605820.

Submission:

Labcorp Genetics (formerly Invitae), Labcorp
Classification: Uncertain significance for Sialuria; GNE myopathy. Last evaluated: 2022-03-18. Review status: criteria provided, single submitter. Criteria: Invitae Variant Classification Sherloc (09022015). Collection method: clinical testing. Allele origin: germline.
Comment: In summary, the available evidence is currently insufficient to determine the role of this variant in disease. Therefore, it has been classified as a Variant of Uncertain Significance. Algorithms developed to predict the effect of missense changes on protein structure and function (SIFT, PolyPhen-2, Align-GVGD) all suggest that this variant is likely to be disruptive. This variant has not been reported in the literature in individuals affected with GNE-related conditions. This variant is not present in population databases (gnomAD no frequency). This sequence change replaces alanine, which is neutral and non-polar, with serine, which is neutral and polar, at codon 553 of the GNE protein (p.Ala553Ser).